The following is an entry in ClinVar:

NM_024426.6(WT1):c.1007G>A (p.Gly336Glu)

Gene: WT1 (WT1 transcription factor; minus strand). Cytogenetic location: 11p13.
Variant type: single nucleotide variant.
Coding change: c.1007G>A on transcript NM_024426.6 (MANE Select); coding-DNA position 1007, G replaced by A.
Protein change: p.Gly336Glu; replaces glycine 336 with glutamic acid.
Molecular consequence: missense variant. On other transcripts: non-coding transcript variant (1), intron variant (8).
Genome position (GRCh38, 1-based): chr11:32,416,499, C>T on the plus strand (G>A on the coding strand, the complement: WT1 is on the minus strand). VCF-style: chr11-32416499-C-T. GRCh37 (hg19) VCF-style: chr11-32438045-C-T.
Other names: c.356G>A, p.Gly119Glu (NM_001198551.2); c.1007G>A, p.Gly336Glu (NM_001407044.1, NM_001407046.1, NM_024424.5); c.884G>A, p.Gly295Glu (NM_001407047.1); c.245G>A, p.Gly82Glu (NM_001407051.1); c.788G>A, p.Gly263Glu (NM_001429031.1, NM_001429032.1); c.842+1078G>A (NM_001407050.1); c.965+1078G>A (NM_001407048.1, NM_001407049.1, NM_000378.6 and 1 more transcripts); c.746+1078G>A (NM_001429034.1, NM_001429033.1); and 1 more; short protein forms G119E, G295E, G331E, G263E, G336E, G82E.
Identifiers: ClinVar variation 4825402 (VCV004825402.1).

ClinVar aggregate classification (germline): Uncertain significance (1 of 4 stars; one submission).

Conditions:
Inborn genetic diseases. Identifiers: MedGen C0950123, MeSH D030342.

gnomAD v4.1: 1 of 1,614,076 alleles (0.000062%); highest among the groups gnomAD compares: South Asian, 0.0011%; no homozygotes.

Submission:

Ambry Genetics
Classification: Uncertain significance for Inborn genetic diseases. Last evaluated: 2026-02-23. Review status: criteria provided, single submitter. Criteria: Ambry Variant Classification Scheme 2023. Collection method: clinical testing. Allele origin: germline.
Comment: The p.G331E variant (also known as c.992G>A), located in coding exon 5 of the WT1 gene, results from a G to A substitution at nucleotide position 992. The glycine at codon 331 is replaced by glutamic acid, an amino acid with similar properties. This amino acid position is highly conserved in available vertebrate species. In addition, this alteration is predicted to be tolerated by in silico analysis. Based on the available evidence, the clinical significance of this variant remains unclear.